The following is an entry in ClinVar:

ClinVar aggregate classification (germline): Likely benign (1 of 4 stars; one submission).

Conditions:
Megalencephalic leukoencephalopathy with subcortical cysts. Also called: VAN DER KNAAP DISEASE. Identifiers: Orphanet 2478, MedGen C1858854, MONDO:0011391.

Allele frequency attached by ClinVar (database versions not stated): gnomAD exomes 0.00039; gnomAD 0.00130 and 0.00133; TOPMed 0.00158; 1000 Genomes Project 0.00240; 1000 Genomes Project 30x 0.00297.
gnomAD v4.1: 427 of 765,000 alleles (0.056%); highest among the groups gnomAD compares: Admixed American, 0.32%; 1 homozygote.

Submission:

Illumina Laboratory Services, Illumina
Classification: Likely benign for Megalencephalic leukoencephalopathy with subcortical cysts. Last evaluated: 2018-01-12. Review status: criteria provided, single submitter. Criteria: ICSL Variant Classification Criteria 13 December 2019. Collection method: clinical testing. Allele origin: germline.
Comment: This variant was observed in the ICSL laboratory as part of a predisposition screen in an ostensibly healthy population. It had not been previously curated by ICSL or reported in the Human Gene Mutation Database (HGMD: prior to June 1st, 2018), and was therefore a candidate for classification through an automated scoring system. Utilizing variant allele frequency, disease prevalence and penetrance estimates, and inheritance mode, an automated score was calculated to assess if this variant is too frequent to cause the disease. Based on the score and internal cut-off values, a variant classified as likely benign is not then subjected to further curation. The score for this variant resulted in a classification of likely benign for this disease.

NM_152722.5(HEPACAM):c.*472T>G

Genes: HEPACAM (hepatic and glial cell adhesion molecule; minus strand), HEPN1 (hepatocellular carcinoma, down-regulated 1; plus strand). Cytogenetic location: 11q24.2.
Variant type: single nucleotide variant.
Coding change: c.*472T>G on transcript NM_152722.5 (MANE Select); 472 bases downstream of the stop codon, T replaced by G.
Molecular consequence: 3 prime UTR variant.
Genome position (GRCh38, 1-based): chr11:124,920,666, A>C on the plus strand (T>G on the coding strand, the complement: HEPACAM is on the minus strand). VCF-style: chr11-124920666-A-C. GRCh37 (hg19) VCF-style: chr11-124790562-A-C.
Identifiers: ClinVar variation 303303 (VCV000303303.5), dbSNP rs372662415, ClinGen allele CA10630295.